The following is an entry in ClinVar:

ClinVar aggregate classification (germline): Uncertain significance. Review status: criteria provided, multiple submitters, no conflicts (2 of 4 stars). 2 submissions from 2 submitters: Uncertain significance (2). Last evaluated 2024-11-27.

Conditions:
Autosomal recessive limb-girdle muscular dystrophy type 2O. Also called: Limb-Girdle Muscular Dystrophy Type 3C; MUSCULAR DYSTROPHY-DYSTROGLYCANOPATHY (LIMB-GIRDLE), TYPE C, 3; MUSCULAR DYSTROPHY-DYSTROGLYCANOPATHY, LIMB-GIRDLE, POMGNT1-RELATED. Identifiers: Orphanet 206564, MedGen C3150417, MONDO:0013161, OMIM 613157.
Muscular dystrophy-dystroglycanopathy (congenital with impaired intellectual development), type B, 3. Also called: Muscular dystrophy-dystroglycanopathy (congenital with intellectual disability), type B3; MUSCULAR DYSTROPHY, CONGENITAL, POMGNT1-RELATED. Identifiers: MedGen C3150412, MONDO:0013155, OMIM 613151.
Inborn genetic diseases. Identifiers: MedGen C0950123, MeSH D030342.

Allele frequency attached by ClinVar (database versions not stated): TOPMed below 0.00001.
gnomAD v4.1: 1 of 1,613,788 alleles (0.000062%); highest among the groups gnomAD compares: Non-Finnish European, 0.000085%; no homozygotes.

Submissions (2):

Ambry Genetics
Classification: Uncertain significance for Inborn genetic diseases. Last evaluated: 2024-11-27. Review status: criteria provided, single submitter. Criteria: Ambry Variant Classification Scheme 2023. Collection method: clinical testing. Allele origin: germline.

Labcorp Genetics (formerly Invitae), Labcorp
Classification: Uncertain significance for Autosomal recessive limb-girdle muscular dystrophy type 2O; Muscular dystrophy-dystroglycanopathy (congenital with impaired intellectual development), type B, 3. Last evaluated: 2024-02-06. Review status: criteria provided, single submitter. Criteria: Invitae Variant Classification Sherloc (09022015). Collection method: clinical testing. Allele origin: germline.
Comment: This sequence change replaces leucine, which is neutral and non-polar, with phenylalanine, which is neutral and non-polar, at codon 593 of the POMGNT1 protein (p.Leu593Phe). This variant is not present in population databases (gnomAD no frequency). This variant has not been reported in the literature in individuals affected with POMGNT1-related conditions. ClinVar contains an entry for this variant (Variation ID: 2147055). Advanced modeling of protein sequence and biophysical properties (such as structural, functional, and spatial information, amino acid conservation, physicochemical variation, residue mobility, and thermodynamic stability) has been performed at Invitae for this missense variant, however the output from this modeling did not meet the statistical confidence thresholds required to predict the impact of this variant on POMGNT1 protein function. In summary, the available evidence is currently insufficient to determine the role of this variant in disease. Therefore, it has been classified as a Variant of Uncertain Significance.

NM_017739.4(POMGNT1):c.1777C>T (p.Leu593Phe)

Genes: TSPAN1 (tetraspanin 1; plus strand), POMGNT1 (protein O-linked mannose N-acetylglucosaminyltransferase 1 (beta 1,2-); minus strand). Cytogenetic location: 1p34.1.
Variant type: single nucleotide variant.
Coding change: c.1777C>T on transcript NM_017739.4 (MANE Select); coding-DNA position 1777, C replaced by T.
Protein change: p.Leu593Phe; replaces leucine 593 with phenylalanine.
Molecular consequence: missense variant.
Genome position (GRCh38, 1-based): chr1:46,189,862, G>A on the plus strand (C>T on the coding strand, the complement: POMGNT1 is on the minus strand). VCF-style: chr1-46189862-G-A. GRCh37 (hg19) VCF-style: chr1-46655534-G-A.
Other names: c.1777C>T, p.Leu593Phe (NM_001243766.2, NM_001410783.1); c.1711C>T, p.Leu571Phe (NM_001290129.3); c.1348C>T, p.Leu450Phe (NM_001290130.2); short protein forms L571F, L450F, L593F.
Identifiers: ClinVar variation 2147055 (VCV002147055.5), dbSNP rs537349651, ClinGen allele CA340171197.
Genomic context (GRCh38, chr1:46,189,862, plus strand): 5'-GTATGTGTGTGAGGGGGAGGGGTTCTCCAGGGTGGGCATGGTATTGGAGCACCTTGGCAA[G>A]CTGGGTCCAGGTGGTGAAGTCATCATCTTTCTCCATTCGAATAAAGGCCACGTAGGTGTG-3'
Protein context (NP_060209.4, residues 583-603): KDDDFTTWTQ[Leu593Phe]AKCLHIWDLD